The following is an entry in ClinVar:

ClinVar aggregate classification (germline): Likely pathogenic (1 of 4 stars; one submission).

Conditions:
APC2-related disorder. Also called: APC2-Related Disorders; APC2-related condition.

Submission:

PreventionGenetics, part of Exact Sciences
Classification: Likely pathogenic for APC2-related condition. Last evaluated: 2026-05-11. Review status: criteria provided, single submitter. Criteria: ACMG Guidelines, 2015. Collection method: clinical testing. Allele origin: germline.
Comment: The APC2 c.1522-1G>C variant is predicted to disrupt the AG splice acceptor site and interfere with normal splicing. To our knowledge, this variant has not been reported in the literature or in a large population database (gnomAD), indicating this variant is rare. Variants that disrupt the consensus splice acceptor site in APC2 are expected to be pathogenic. This variant is interpreted as likely pathogenic.

NM_005883.3(APC2):c.1522-1G>C

Gene: APC2 (APC regulator of Wnt signaling pathway 2; plus strand). Cytogenetic location: 19p13.3.
Variant type: single nucleotide variant.
Coding change: c.1522-1G>C on transcript NM_005883.3 (MANE Select); the canonical splice acceptor site of the intron before coding-DNA position 1522, G replaced by C.
Molecular consequence: splice acceptor variant.
Genome position (GRCh38, 1-based): chr19:1,461,036, G>C. VCF-style: chr19-1461036-G-C. GRCh37 (hg19) VCF-style: chr19-1461035-G-C.
Other names: c.1519-1G>C (NM_001351273.1).
Identifiers: ClinVar variation 4995167 (VCV004995167.1).
Genomic context (GRCh38, chr19:1,461,036, plus strand): 5'-GCTGGGGGGTTTGGGGGGCCTGGACCCTAGTCCCACCACACTTGCCCCTCACCCCACCCA[G>C]GTGGTGTCCAGCATCCTTCGGAACTTGTCCTGGAGGGCCGACATCAACAGCAAGAAGGTG-3'